The following is an entry in ClinVar:

ClinVar aggregate classification (germline): Pathogenic. Review status: criteria provided, multiple submitters, no conflicts (2 of 4 stars). 2 submissions from 2 submitters: Pathogenic (2). Last evaluated 2022-03-10.

Conditions:
Intellectual developmental disorder, X-linked 1. Also called: Intellectual disability, X-linked 1; Atkin Flaitz Patil Smith syndrome; MENTAL RETARDATION, X-LINKED 18; MENTAL RETARDATION, X-LINKED 78. Identifiers: Orphanet 777, MedGen C2931498, MONDO:0010656, OMIM 309530.

Submissions (2):

Labcorp Genetics (formerly Invitae), Labcorp
Classification: Pathogenic for Intellectual developmental disorder, X-linked 1. Last evaluated: 2022-03-10. Review status: criteria provided, single submitter. Criteria: Invitae Variant Classification Sherloc (09022015). Collection method: clinical testing. Allele origin: germline.
Comment: ClinVar contains an entry for this variant (Variation ID: 452339). For these reasons, this variant has been classified as Pathogenic. Algorithms developed to predict the effect of sequence changes on RNA splicing suggest that this variant may disrupt the consensus splice site. Disruption of this splice site has been observed in individual(s) with clinical features of IQSEC2-related conditions (Invitae). In at least one individual the variant was observed to be de novo. This variant is not present in population databases (gnomAD no frequency). This sequence change affects a donor splice site in intron 9 of the IQSEC2 gene. It is expected to disrupt RNA splicing. Variants that disrupt the donor or acceptor splice site typically lead to a loss of protein function (PMID: 16199547), and loss-of-function variants in IQSEC2 are known to be pathogenic (PMID: 21686261, 26793055, 27665735).

GeneDx
Classification: Pathogenic. Last evaluated: 2017-09-27. Review status: criteria provided, single submitter. Criteria: GeneDx Variant Classification (06012015). Collection method: clinical testing. Allele origin: germline. Affected: yes.
Comment: The c.2889+1G>A splice site variant in the IQSEC2 gene destroys the canonical splice donor site in intron 9. It is predicted to cause abnormal gene splicing, either leading to an abnormal message that issubject to nonsense-mediated mRNA decay, or to an abnormal protein product if the message is used for protein translation. The c.2889+1G>A variant is not observed in large population cohorts (Lek et al., 2016).

Literature cited by the submitters: PubMed 16199547 (cited by Labcorp Genetics (formerly Invitae), Labcorp); PubMed 21686261 (cited by Labcorp Genetics (formerly Invitae), Labcorp); PubMed 26793055 (cited by Labcorp Genetics (formerly Invitae), Labcorp); PubMed 27665735 (cited by Labcorp Genetics (formerly Invitae), Labcorp).

NM_001111125.3(IQSEC2):c.2889+1G>A

Gene: IQSEC2 (IQ motif and Sec7 domain ArfGEF 2; minus strand). Cytogenetic location: Xp11.22.
Variant type: single nucleotide variant.
Coding change: c.2889+1G>A on transcript NM_001111125.3 (MANE Select); the canonical splice donor site of the intron after coding-DNA position 2889, G replaced by A.
Molecular consequence: splice donor variant.
Genome position (GRCh38, 1-based): chrX:53,243,331, C>T on the plus strand (G>A on the coding strand, the complement: IQSEC2 is on the minus strand). VCF-style: chrX-53243331-C-T. GRCh37 (hg19) VCF-style: chrX-53272513-C-T.
Other names: c.2889+1G>A (NM_001410736.1); c.2274+1G>A (NM_015075.2).
Identifiers: ClinVar variation 452339 (VCV000452339.11), dbSNP rs1556861311, ClinGen allele CA413153307.